The following is an entry in ClinVar:

NM_032578.4(MYPN):c.2114C>T (p.Thr705Ile)

Gene: MYPN (myopalladin; plus strand). Cytogenetic location: 10q21.3.
Variant type: single nucleotide variant.
Coding change: c.2114C>T on transcript NM_032578.4 (MANE Select); coding-DNA position 2114, C replaced by T.
Protein change: p.Thr705Ile; replaces threonine 705 with isoleucine.
Molecular consequence: missense variant. On other transcripts: non-coding transcript variant (2).
Genome position (GRCh38, 1-based): chr10:68,174,206, C>T. VCF-style: chr10-68174206-C-T. GRCh37 (hg19) VCF-style: chr10-69933963-C-T.
Other names: c.2114C>T, p.Thr705Ile (NM_001256267.2); c.1232C>T, p.Thr411Ile (NM_001256268.2); short protein forms T705I, T411I.
Identifiers: ClinVar variation 520385 (VCV000520385.18), dbSNP rs768471574, ClinGen allele CA5522729.

ClinVar aggregate classification (germline): Conflicting classifications of pathogenicity. Review status: criteria provided, conflicting classifications (1 of 4 stars). 4 submissions from 4 submitters: Uncertain significance (3); Likely benign (1). Last evaluated 2026-05-27.

Conditions:
Cardiovascular phenotype. Identifiers: MedGen CN230736.
Dilated cardiomyopathy 1KK (CMD1KK). Identifiers: Orphanet 154, Orphanet 75249, MedGen C3714995, MONDO:0014100, OMIM 615248.
Primary familial hypertrophic cardiomyopathy (HCM). Identifiers: Orphanet 99739, MedGen C0949658, MeSH D024741, MONDO:0024573. Inheritance: Various modes of inheritance.

Allele frequency attached by ClinVar (database versions not stated): ExAC 0.00002; gnomAD exomes 0.00001 and 0.00002; TOPMed 0.00001; gnomAD 0.00001.

Submissions (4):

Ambry Genetics
Classification: Likely benign for Cardiovascular phenotype. Last evaluated: 2026-05-27. Review status: criteria provided, single submitter. Criteria: Ambry Variant Classification Scheme 2023. Collection method: clinical testing. Allele origin: germline.

GeneDx
Classification: Uncertain significance. Last evaluated: 2022-09-12. Review status: criteria provided, single submitter. Criteria: GeneDx Variant Classification Process June 2021. Collection method: clinical testing. Allele origin: germline. Affected: yes.
Comment: Has not been previously published as pathogenic or benign to our knowledge; Not observed at a significant frequency in large population cohorts (gnomAD); In silico analysis, which includes protein predictors and evolutionary conservation, supports that this variant does not alter protein structure/function; Reported in ClinVar as a variant of uncertain significance but additional evidence is not available (ClinVar Variant ID# 520385; ClinVar)

Labcorp Genetics (formerly Invitae), Labcorp
Classification: Uncertain significance for Dilated cardiomyopathy 1KK. Last evaluated: 2022-03-18. Review status: criteria provided, single submitter. Criteria: Invitae Variant Classification Sherloc (09022015). Collection method: clinical testing. Allele origin: germline.
Comment: This variant has not been reported in the literature in individuals affected with MYPN-related conditions. This sequence change replaces threonine, which is neutral and polar, with isoleucine, which is neutral and non-polar, at codon 705 of the MYPN protein (p.Thr705Ile). This variant is present in population databases (rs768471574, gnomAD 0.003%). ClinVar contains an entry for this variant (Variation ID: 520385). Algorithms developed to predict the effect of missense changes on protein structure and function output the following: SIFT: "Tolerated"; PolyPhen-2: "Benign"; Align-GVGD: "Class C0". The isoleucine amino acid residue is found in multiple mammalian species, which suggests that this missense change does not adversely affect protein function. In summary, the available evidence is currently insufficient to determine the role of this variant in disease. Therefore, it has been classified as a Variant of Uncertain Significance.

Molecular Diagnostic Laboratory for Inherited Cardiovascular Disease, Montreal Heart Institute
Classification: Uncertain significance for Primary familial hypertrophic cardiomyopathy. Review status: criteria provided, single submitter. Criteria: ACMG Guidelines, 2015. Collection method: clinical testing. Allele origin: germline. Affected: yes.